The following is an entry in ClinVar:

ClinVar aggregate classification (germline): Conflicting classifications of pathogenicity. Review status: criteria provided, conflicting classifications (1 of 4 stars). 10 submissions from 10 submitters: Uncertain significance (5); Likely benign (3). 2 of the submissions do not count toward it. Last evaluated 2026-01-28.

Conditions:
NEB-related disorder. Also called: NEB-related condition; NEB-Related Disorders.
Nemaline myopathy 2 (NEM2). Also called: Nemaline myopathy 2, autosomal recessive. Identifiers: MedGen C1850569, MONDO:0009725, OMIM 256030.

Allele frequency attached by ClinVar (database versions not stated): 1000 Genomes Project 0.00060; 1000 Genomes Project 30x 0.00062; ExAC 0.00124; gnomAD 0.00129 and 0.00137; gnomAD exomes 0.00133 and 0.00160; ESP Exome Variant Server 0.00166; TOPMed 0.00175.
gnomAD v4.1: 2,523 of 1,614,002 alleles (0.16%); highest among the groups gnomAD compares: Admixed American, 0.23%; 1 homozygote.

Submissions (10):

Labcorp Genetics (formerly Invitae), Labcorp
Classification: Likely benign for Nemaline myopathy 2. Last evaluated: 2026-01-28. Review status: criteria provided, single submitter. Criteria: Invitae Variant Classification Sherloc (09022015). Collection method: clinical testing. Allele origin: germline.

Mayo Clinic Laboratories, Mayo Clinic
Classification: Uncertain significance. Last evaluated: 2025-07-18. Review status: criteria provided, single submitter. Criteria: ACMG Guidelines, 2015. Collection method: clinical testing. Allele origin: germline. Observed: 5 variant alleles.

Blueprint Genetics
Classification: Likely benign. Last evaluated: 2024-10-24. Review status: criteria provided, single submitter. Criteria: ACMG Guidelines, 2015. Collection method: clinical testing. Allele origin: germline.

Athena Diagnostics
Classification: Uncertain significance. Last evaluated: 2024-07-02. Review status: criteria provided, single submitter. Criteria: Athena Diagnostics Criteria. Collection method: clinical testing. Allele origin: unknown.

GeneDx
Classification: Likely benign. Last evaluated: 2020-11-27. Review status: criteria provided, single submitter. Criteria: GeneDx Variant Classification Process June 2021. Collection method: clinical testing. Allele origin: germline. Affected: yes.

Baylor Genetics
Classification: Uncertain significance for Nemaline myopathy 2. Last evaluated: 2018-01-31. Review status: criteria provided, single submitter. Criteria: ACMG Guidelines, 2015. Collection method: clinical testing. Allele origin: unknown. Affected: yes.
Comment: This variant was determined to be of uncertain significance according to ACMG Guidelines, 2015 [PMID:25741868].

Illumina Laboratory Services, Illumina
Classification: Uncertain significance for Nemaline myopathy 2. Last evaluated: 2018-01-13. Review status: criteria provided, single submitter. Criteria: ICSL Variant Classification Criteria 13 December 2019. Collection method: clinical testing. Allele origin: germline.

Eurofins Ntd Llc (ga)
Classification: Uncertain significance. Last evaluated: 2015-02-26. Review status: criteria provided, single submitter. Criteria: EGL Classification Definitions 2015. Collection method: clinical testing. Allele origin: germline. Observed: 3 variant alleles, 3 heterozygotes.

PreventionGenetics, part of Exact Sciences
Classification: Likely benign for NEB-related condition. Last evaluated: 2022-01-25. Review status: no assertion criteria provided. Collection method: clinical testing. Allele origin: germline. Not counted in ClinVar's aggregate classification.
Comment: This variant is classified as likely benign based on ACMG/AMP sequence variant interpretation guidelines (Richards et al. 2015 PMID: 25741868, with internal and published modifications).

Natera, Inc.
Classification: Uncertain significance for Nemaline myopathy type 2. Last evaluated: 2020-01-07. Review status: no assertion criteria provided. Collection method: clinical testing. Allele origin: germline. Not counted in ClinVar's aggregate classification.

NM_001164508.2(NEB):c.3623T>C (p.Ile1208Thr)

Gene: NEB (nebulin; minus strand). Cytogenetic location: 2q23.3.
Variant type: single nucleotide variant.
Coding change: c.3623T>C on transcript NM_001164508.2 (MANE Select); coding-DNA position 3623, T replaced by C.
Protein change: p.Ile1208Thr; replaces isoleucine 1208 with threonine.
Molecular consequence: missense variant.
Genome position (GRCh38, 1-based): chr2:151,677,716, A>G on the plus strand (T>C on the coding strand, the complement: NEB is on the minus strand). VCF-style: chr2-151677716-A-G. GRCh37 (hg19) VCF-style: chr2-152534230-A-G.
Other names: c.3623T>C, p.Ile1208Thr (NM_001164507.2, NM_001271208.2, NM_004543.5); short protein forms I1208T.
Identifiers: ClinVar variation 196900 (VCV000196900.33), dbSNP rs201141958, ClinGen allele CA244693.